The following is an entry in ClinVar:

ClinVar aggregate classification (germline): Pathogenic (1 of 4 stars; one submission).

Submission:

GeneDx
Classification: Pathogenic. Last evaluated: 2024-07-03. Review status: criteria provided, single submitter. Criteria: GeneDx Variant Classification Process June 2021. Collection method: clinical testing. Allele origin: germline. Affected: yes.
Comment: Frameshift variant predicted to result in protein truncation or nonsense mediated decay in a gene for which loss of function is a known mechanism of disease; Not observed at significant frequency in large population cohorts (gnomAD); This variant is associated with the following publications: (PMID: 24994558)

NM_001371623.1(TCOF1):c.1303dup (p.Gln435fs)

Gene: TCOF1 (treacle ribosome biogenesis factor 1; plus strand). Cytogenetic location: 5q32.
Variant type: Duplication.
Coding change: c.1303dup on transcript NM_001371623.1 (MANE Select); coding-DNA position 1303, one base duplicated (C; older notation c.1303dupC).
Protein change: p.Gln435fs; shifts the reading frame from glutamine 435.
Molecular consequence: frameshift variant.
Genome position (GRCh38, 1-based): chr5:150,374,978, C duplicated; the last of 6 consecutive C bases (chr5:150,374,973-150,374,978); duplicating any one gives the same sequence. VCF-style (leftmost placement, unchanged base first): chr5-150374972-G-GC. GRCh37 (hg19) VCF-style: chr5-149754535-G-GC.
Other names: c.1072dup, p.Gln358fs (NM_000356.4, NM_001135245.2); c.1303dup, p.Gln435fs (NM_001008657.3, NM_001135243.2, NM_001135244.2 and 1 more transcripts); short protein forms Q435fs, Q358fs.
Identifiers: ClinVar variation 3393530 (VCV003393530.1).